The following is an entry in ClinVar:

ClinVar aggregate classification (germline): Uncertain significance. Review status: criteria provided, multiple submitters, no conflicts (2 of 4 stars). 2 submissions from 2 submitters: Uncertain significance (2). Last evaluated 2026-03-02.

Conditions:
Hereditary cancer-predisposing syndrome. Also called: Neoplastic Syndromes, Hereditary; Tumor predisposition; Hereditary Cancer Syndrome; Hereditary neoplastic syndrome. Identifiers: Orphanet 140162, MedGen C0027672, MeSH D009386, MONDO:0015356.
Multiple endocrine neoplasia, type 1 (MEN1). Also called: MEN I; WERMER SYNDROME; Endocrine adenomatosis multiple; MEN 1; MEA I. Identifiers: Orphanet 652, MedGen C0025267, MeSH D018761, MONDO:0007540, OMIM 131100.

Submissions (2):

Ambry Genetics
Classification: Uncertain significance for Hereditary cancer-predisposing syndrome. Last evaluated: 2026-03-02. Review status: criteria provided, single submitter. Criteria: Ambry Variant Classification Scheme 2023. Collection method: clinical testing. Allele origin: germline.
Comment: The c.1831T>C variant (also known as p.*611Rext*21), located in coding exon 9 of the MEN1 gene, results from a T to C substitution at nucleotide position 1831. This variant disrupts the stop codon and is predicted to preserve the native sequence while resulting in the elongation of the protein by 21 amino acids. The exact functional effect of the additional amino acids is unknown. Based on the available evidence, the clinical significance of this variant remains unclear.

Labcorp Genetics (formerly Invitae), Labcorp
Classification: Uncertain significance for Multiple endocrine neoplasia, type 1. Last evaluated: 2025-08-04. Review status: criteria provided, single submitter. Criteria: Invitae Variant Classification Sherloc (09022015). Collection method: clinical testing. Allele origin: germline.
Comment: This sequence change disrupts the translational stop signal of the MEN1 mRNA. It is expected to extend the length of the MEN1 protein by 21 additional amino acid residues. This variant is not present in population databases (gnomAD no frequency). This variant has not been reported in the literature in individuals affected with MEN1-related conditions. Experimental studies and prediction algorithms are not available or were not evaluated, and the functional significance of this variant is currently unknown. In summary, the available evidence is currently insufficient to determine the role of this variant in disease. Therefore, it has been classified as a Variant of Uncertain Significance.

NM_001370259.2(MEN1):c.1831T>C (p.Ter611Arg)

Gene: MEN1 (menin 1; minus strand). Cytogenetic location: 11q13.1.
Variant type: single nucleotide variant.
Coding change: c.1831T>C on transcript NM_001370259.2 (MANE Select); coding-DNA position 1831, T replaced by C.
Protein change: p.Ter611Arg.
Molecular consequence: stop lost. On other transcripts: non-coding transcript variant (4).
Genome position (GRCh38, 1-based): chr11:64,804,336, A>G on the plus strand (T>C on the coding strand, the complement: MEN1 is on the minus strand). VCF-style: chr11-64804336-A-G. GRCh37 (hg19) VCF-style: chr11-64571808-A-G.
Other names: c.1846T>C, p.Ter616Arg (NM_000244.4, NM_001407145.1, NM_130800.3 and 4 more transcripts); c.1957T>C, p.Ter653Arg (NM_001370251.2, NM_001407142.1, NM_001407143.1 and 1 more transcripts); c.1831T>C, p.Ter611Arg (NM_001370260.2, NM_001370261.2, NM_001407146.1 and 2 more transcripts); c.1726T>C, p.Ter576Arg (NM_001370262.2, NM_001370263.2, NM_001407148.1 and 1 more transcripts); c.1972T>C, p.Ter658Arg (NM_001407150.1); c.1852T>C, p.Ter618Arg (NM_001407151.1); c.1666T>C, p.Ter556Arg (NM_001407152.1).
Identifiers: ClinVar variation 4724773 (VCV004724773.2).
Genomic context (GRCh38, chr11:64,804,336, plus strand): 5'-GTTGGGGGACTAAGGGCGGAGCCTGGGTCCCCACAAGCGGTCCGAAGTCCCCAGTAGTTC[A>G]GAGGCCTTTGCGCTGCCGCTTGAGGAAAGACAGAGTGTAGTCACTAGGGGTGGACACTTT-3'